The following is an entry in ClinVar:

ClinVar aggregate classification (germline): Uncertain significance (1 of 4 stars; one submission).

Conditions:
Neurodevelopmental disorder with nonspecific brain abnormalities and with or without seizures. Identifiers: MedGen C5231470, MONDO:0032877, OMIM 618709.

gnomAD v4.1: 2 of 1,590,096 alleles (0.00013%); highest among the groups gnomAD compares: Non-Finnish European, 0.00017%; no homozygotes.

Submission:

Juno Genomics, Hangzhou Juno Genomics, Inc
Classification: Uncertain significance for Neurodevelopmental disorder with nonspecific brain abnormalities and with or without seizures. Review status: criteria provided, single submitter. Criteria: ACMG Guidelines, 2015. Collection method: clinical testing. Allele origin: germline.
Comment: Absent from controls (or at extremely low frequency if recessive) in Genome Aggregation Database.;Multiple lines of computational evidence support a deleterious effect on the gene or gene product.

NM_005618.4(DLL1):c.1474A>G (p.Asn492Asp)

Gene: DLL1 (delta like canonical Notch ligand 1; minus strand). Cytogenetic location: 6q27.
Variant type: single nucleotide variant.
Coding change: c.1474A>G on transcript NM_005618.4 (MANE Select); coding-DNA position 1474, A replaced by G.
Protein change: p.Asn492Asp; replaces asparagine 492 with aspartic acid.
Molecular consequence: missense variant.
Genome position (GRCh38, 1-based): chr6:170,283,805, T>C on the plus strand (A>G on the coding strand, the complement: DLL1 is on the minus strand). VCF-style: chr6-170283805-T-C. GRCh37 (hg19) VCF-style: chr6-170592893-T-C.
Other names: short protein forms N492D.
Identifiers: ClinVar variation 5006995 (VCV005006995.2).
Genomic context (GRCh38, chr6:170,283,805, plus strand): 5'-CGTAGCCTCGGGCACACTCGCACACATAGCGGTGGCCCCTCTCGTGGCAGGTGGCCCCAT[T>C]GTGGCAGGGTGCGTGCTCGCACCTGCTGACGGGGGCACTGCAGTTCCTGCCCGTGTAGCC-3'
Protein context (NP_005609.3, residues 482-502): VSRCEHAPCH[Asn492Asp]GATCHERGHR